The following is an entry in ClinVar:

NM_000497.4(CYP11B1):c.1264C>T (p.Arg422Cys)

Genes: CYP11B1 (cytochrome P450 family 11 subfamily B member 1; minus strand), LOC106799833 (CYP11B1 recombination region; plus strand). Cytogenetic location: 8q24.3.
Variant type: single nucleotide variant.
Coding change: c.1264C>T on transcript NM_000497.4 (MANE Select); coding-DNA position 1264, C replaced by T.
Protein change: p.Arg422Cys; replaces arginine 422 with cysteine.
Molecular consequence: missense variant. On other transcripts: intron variant (1).
Genome position (GRCh38, 1-based): chr8:142,875,091, G>A on the plus strand (C>T on the coding strand, the complement: CYP11B1 is on the minus strand). VCF-style: chr8-142875091-G-A. GRCh37 (hg19) VCF-style: chr8-143956507-G-A.
Other names: c.1200+143C>T (NM_001026213.1); short protein forms R422C.
Identifiers: ClinVar variation 3680642 (VCV003680642.1).

ClinVar aggregate classification (germline): Uncertain significance (1 of 4 stars; one submission).

Submission:

Labcorp Genetics (formerly Invitae), Labcorp
Classification: Uncertain significance. Last evaluated: 2024-10-23. Review status: criteria provided, single submitter. Criteria: Invitae Variant Classification Sherloc (09022015). Collection method: clinical testing. Allele origin: germline.
Comment: This sequence change replaces arginine, which is basic and polar, with cysteine, which is neutral and slightly polar, at codon 422 of the CYP11B1 protein (p.Arg422Cys). This variant is present in population databases (no rsID available, gnomAD 0.01%). This variant has not been reported in the literature in individuals affected with CYP11B1-related conditions. Invitae Evidence Modeling of protein sequence and biophysical properties (such as structural, functional, and spatial information, amino acid conservation, physicochemical variation, residue mobility, and thermodynamic stability) indicates that this missense variant is not expected to disrupt CYP11B1 protein function with a negative predictive value of 95%. In summary, the available evidence is currently insufficient to determine the role of this variant in disease. Therefore, it has been classified as a Variant of Uncertain Significance.